The following is an entry in ClinVar:

ClinVar aggregate classification (germline): Uncertain significance. Review status: criteria provided, multiple submitters, no conflicts (2 of 4 stars). 2 submissions from 2 submitters: Uncertain significance (2). Last evaluated 2025-08-13.

Conditions:
Gastrointestinal stromal tumor. Also called: Gastrointestinal stromal tumor, somatic; Gastrointestinal stroma tumor. Identifiers: Orphanet 44890, MedGen C0238198, MeSH D046152, MONDO:0011719, OMIM 606764, HP:0100723.
Hereditary cancer-predisposing syndrome. Also called: Neoplastic Syndromes, Hereditary; Tumor predisposition; Hereditary Cancer Syndrome; Hereditary neoplastic syndrome. Identifiers: Orphanet 140162, MedGen C0027672, MeSH D009386, MONDO:0015356.

Allele frequency attached by ClinVar (database versions not stated): TOPMed below 0.00001; ExAC 0.00001; gnomAD 0.00001; gnomAD exomes 0.00001.

Submissions (2):

Labcorp Genetics (formerly Invitae), Labcorp
Classification: Uncertain significance for Gastrointestinal stromal tumor. Last evaluated: 2025-08-13. Review status: criteria provided, single submitter. Criteria: Invitae Variant Classification Sherloc (09022015). Collection method: clinical testing. Allele origin: germline.
Comment: This sequence change replaces tyrosine, which is neutral and polar, with phenylalanine, which is neutral and non-polar, at codon 392 of the PDGFRA protein (p.Tyr392Phe). This variant is present in population databases (rs746100370, gnomAD 0.002%). This variant has not been reported in the literature in individuals affected with PDGFRA-related conditions. ClinVar contains an entry for this variant (Variation ID: 853250). Invitae Evidence Modeling of protein sequence and biophysical properties (such as structural, functional, and spatial information, amino acid conservation, physicochemical variation, residue mobility, and thermodynamic stability) has been performed for this missense variant. However, the output from this modeling did not meet the statistical confidence thresholds required to predict the impact of this variant on PDGFRA protein function. In summary, the available evidence is currently insufficient to determine the role of this variant in disease. Therefore, it has been classified as a Variant of Uncertain Significance.

Ambry Genetics
Classification: Uncertain significance for Hereditary cancer-predisposing syndrome. Last evaluated: 2023-06-12. Review status: criteria provided, single submitter. Criteria: Ambry Variant Classification Scheme 2023. Collection method: clinical testing. Allele origin: germline.
Comment: The p.Y392F variant (also known as c.1175A>T), located in coding exon 7 of the PDGFRA gene, results from an A to T substitution at nucleotide position 1175. The tyrosine at codon 392 is replaced by phenylalanine, an amino acid with highly similar properties. This amino acid position is conserved. In addition, the in silico prediction for this alteration is inconclusive. Since supporting evidence is limited at this time, the clinical significance of this alteration remains unclear.

NM_006206.6(PDGFRA):c.1175A>T (p.Tyr392Phe)

Gene: PDGFRA (platelet derived growth factor receptor alpha; plus strand). Cytogenetic location: 4q12.
Variant type: single nucleotide variant.
Coding change: c.1175A>T on transcript NM_006206.6 (MANE Select); coding-DNA position 1175, A replaced by T.
Protein change: p.Tyr392Phe; replaces tyrosine 392 with phenylalanine.
Molecular consequence: missense variant.
Genome position (GRCh38, 1-based): chr4:54,270,686, A>T. VCF-style: chr4-54270686-A-T. GRCh37 (hg19) VCF-style: chr4-55136853-A-T.
Other names: c.1175A>T, p.Tyr392Phe (NM_001347827.2, NM_001347829.2); c.1250A>T, p.Tyr417Phe (NM_001347828.2); c.1214A>T, p.Tyr405Phe (NM_001347830.2); short protein forms Y417F, Y405F, Y392F.
Identifiers: ClinVar variation 853250 (VCV000853250.10), dbSNP rs746100370, ClinGen allele CA2922484.
Genomic context (GRCh38, chr4:54,270,686, plus strand): 5'-TTAAAAGGTATCGAAGCAAATTAAAGCTGATCCGTGCTAAGGAAGAAGACAGTGGCCATT[A>T]TACTATTGTAGCTCAAAATGAAGATGCTGTGAAGAGCTATACTTTTGAACTGTTAACTCA-3'
Protein context (NP_006197.1, residues 382-402): IRAKEEDSGH[Tyr392Phe]TIVAQNEDAV